The following is an entry in ClinVar:

NM_003737.4(DCHS1):c.4015G>A (p.Val1339Met)

Gene: DCHS1 (dachsous cadherin-related 1; minus strand). Cytogenetic location: 11p15.4.
Variant type: single nucleotide variant.
Coding change: c.4015G>A on transcript NM_003737.4 (MANE Select); coding-DNA position 4015, G replaced by A.
Protein change: p.Val1339Met; replaces valine 1339 with methionine.
Molecular consequence: missense variant.
Genome position (GRCh38, 1-based): chr11:6,630,779, C>T on the plus strand (G>A on the coding strand, the complement: DCHS1 is on the minus strand). VCF-style: chr11-6630779-C-T. GRCh37 (hg19) VCF-style: chr11-6652010-C-T.
Other names: short protein forms V1339M.
Identifiers: ClinVar variation 3020915 (VCV003020915.3), dbSNP rs759001231, ClinGen allele CA5860385.

ClinVar aggregate classification (germline): Uncertain significance (1 of 4 stars; one submission).

Allele frequency attached by ClinVar (database versions not stated): gnomAD 0.00001; TOPMed 0.00001; gnomAD exomes 0.00001.
gnomAD v4.1: 18 of 1,547,460 alleles (0.0012%); highest among the groups gnomAD compares: East Asian, 0.039%; no homozygotes.

Submission:

Labcorp Genetics (formerly Invitae), Labcorp
Classification: Uncertain significance. Last evaluated: 2023-12-23. Review status: criteria provided, single submitter. Criteria: Invitae Variant Classification Sherloc (09022015). Collection method: clinical testing. Allele origin: germline.
Comment: This sequence change replaces valine, which is neutral and non-polar, with methionine, which is neutral and non-polar, at codon 1339 of the DCHS1 protein (p.Val1339Met). This variant is present in population databases (rs759001231, gnomAD 0.02%). This variant has not been reported in the literature in individuals affected with DCHS1-related conditions. Advanced modeling of protein sequence and biophysical properties (such as structural, functional, and spatial information, amino acid conservation, physicochemical variation, residue mobility, and thermodynamic stability) has been performed at Invitae for this missense variant, however the output from this modeling did not meet the statistical confidence thresholds required to predict the impact of this variant on DCHS1 protein function. In summary, the available evidence is currently insufficient to determine the role of this variant in disease. Therefore, it has been classified as a Variant of Uncertain Significance.